The following is an entry in ClinVar:

ClinVar aggregate classification (germline): Uncertain significance. Review status: criteria provided, multiple submitters, no conflicts (2 of 4 stars). 2 submissions from 2 submitters: Uncertain significance (2). Last evaluated 2024-07-26.

Conditions:
Inborn genetic diseases. Identifiers: MedGen C0950123, MeSH D030342.

Allele frequency attached by ClinVar (database versions not stated): gnomAD exomes below 0.00001.
gnomAD v4.1: 2 of 1,614,168 alleles (0.00012%); highest among the groups gnomAD compares: Non-Finnish European, 0.00017%; no homozygotes.

Submissions (2):

Ambry Genetics
Classification: Uncertain significance for Inborn genetic diseases. Last evaluated: 2024-07-26. Review status: criteria provided, single submitter. Criteria: Ambry Variant Classification Scheme 2023. Collection method: clinical testing. Allele origin: germline.
Comment: The p.N980S variant (also known as c.2939A>G), located in coding exon 14 of the ATR gene, results from an A to G substitution at nucleotide position 2939. The asparagine at codon 980 is replaced by serine, an amino acid with highly similar properties. This amino acid position is conserved. In addition, this alteration is predicted to be tolerated by in silico analysis. Since supporting evidence is limited at this time, the clinical significance of this alteration remains unclear.

Labcorp Genetics (formerly Invitae), Labcorp
Classification: Uncertain significance. Last evaluated: 2024-07-16. Review status: criteria provided, single submitter. Criteria: Invitae Variant Classification Sherloc (09022015). Collection method: clinical testing. Allele origin: germline.
Comment: This sequence change replaces asparagine, which is neutral and polar, with serine, which is neutral and polar, at codon 980 of the ATR protein (p.Asn980Ser). This variant is not present in population databases (gnomAD no frequency). This variant has not been reported in the literature in individuals affected with ATR-related conditions. ClinVar contains an entry for this variant (Variation ID: 1797885). An algorithm developed to predict the effect of missense changes on protein structure and function (PolyPhen-2) suggests that this variant is likely to be tolerated. In summary, the available evidence is currently insufficient to determine the role of this variant in disease. Therefore, it has been classified as a Variant of Uncertain Significance.

NM_001184.4(ATR):c.2939A>G (p.Asn980Ser)

Gene: ATR (ATR checkpoint kinase; minus strand). Cytogenetic location: 3q23.
Variant type: single nucleotide variant.
Coding change: c.2939A>G on transcript NM_001184.4 (MANE Select); coding-DNA position 2939, A replaced by G.
Protein change: p.Asn980Ser; replaces asparagine 980 with serine.
Molecular consequence: missense variant.
Genome position (GRCh38, 1-based): chr3:142,550,169, T>C on the plus strand (A>G on the coding strand, the complement: ATR is on the minus strand). VCF-style: chr3-142550169-T-C. GRCh37 (hg19) VCF-style: chr3-142269011-T-C.
Other names: c.2747A>G, p.Asn916Ser (NM_001354579.2); short protein forms N916S, N980S.
Identifiers: ClinVar variation 1797885 (VCV001797885.5), dbSNP rs2473366618, ClinGen allele CA354812698.